The following is an entry in ClinVar:

NM_018718.3(CEP41):c.1087A>G (p.Ser363Gly)

Gene: CEP41 (centrosomal protein 41; minus strand). Cytogenetic location: 7q32.2.
Variant type: single nucleotide variant.
Coding change: c.1087A>G on transcript NM_018718.3 (MANE Select); coding-DNA position 1087, A replaced by G.
Protein change: p.Ser363Gly; replaces serine 363 with glycine.
Molecular consequence: missense variant. On other transcripts: non-coding transcript variant (1).
Genome position (GRCh38, 1-based): chr7:130,398,926, T>C on the plus strand (A>G on the coding strand, the complement: CEP41 is on the minus strand). VCF-style: chr7-130398926-T-C. GRCh37 (hg19) VCF-style: chr7-130038767-T-C.
Other names: c.871A>G, p.Ser291Gly (NM_001257158.2); c.823A>G, p.Ser275Gly (NM_001257159.2); short protein forms S275G, S291G, S363G.
Identifiers: ClinVar variation 1015643 (VCV001015643.6), dbSNP rs201504407, ClinGen allele CA4485384.

ClinVar aggregate classification (germline): Uncertain significance. Review status: criteria provided, multiple submitters, no conflicts (2 of 4 stars). 3 submissions from 3 submitters: Uncertain significance (3). Last evaluated 2022-11-01.

Conditions:
Joubert syndrome 15 (JBTS15). Identifiers: Orphanet 475, MedGen C3280897, MONDO:0013763, OMIM 614464.

Allele frequency attached by ClinVar (database versions not stated): ExAC 0.00001; gnomAD 0.00001; gnomAD exomes 0.00002 and 0.00004; TOPMed 0.00003; ESP Exome Variant Server 0.00008; 1000 Genomes Project 30x 0.00016; 1000 Genomes Project 0.00020.
gnomAD v4.1: 16 of 1,614,228 alleles (0.00099%); highest among the groups gnomAD compares: Admixed American, 0.022%; no homozygotes.

Submissions (3):

Labcorp Genetics (formerly Invitae), Labcorp
Classification: Uncertain significance for Joubert syndrome 15. Last evaluated: 2022-11-01. Review status: criteria provided, single submitter. Criteria: Invitae Variant Classification Sherloc (09022015). Collection method: clinical testing. Allele origin: germline.
Comment: This sequence change replaces serine, which is neutral and polar, with glycine, which is neutral and non-polar, at codon 363 of the CEP41 protein (p.Ser363Gly). This variant is present in population databases (rs201504407, gnomAD 0.03%). This variant has not been reported in the literature in individuals affected with CEP41-related conditions. ClinVar contains an entry for this variant (Variation ID: 1015643). Advanced modeling of protein sequence and biophysical properties (such as structural, functional, and spatial information, amino acid conservation, physicochemical variation, residue mobility, and thermodynamic stability) performed at Invitae indicates that this missense variant is not expected to disrupt CEP41 protein function. In summary, the available evidence is currently insufficient to determine the role of this variant in disease. Therefore, it has been classified as a Variant of Uncertain Significance.

Fulgent Genetics
Classification: Uncertain significance for Joubert syndrome 15. Last evaluated: 2021-07-22. Review status: criteria provided, single submitter. Criteria: ACMG Guidelines, 2015. Collection method: clinical testing. Allele origin: unknown.

Baylor Genetics
Classification: Uncertain significance for Joubert syndrome 15. Last evaluated: 2018-07-19. Review status: criteria provided, single submitter. Criteria: ACMG Guidelines, 2015. Collection method: clinical testing. Allele origin: unknown. Affected: yes.
Comment: This variant was determined to be of uncertain significance according to ACMG Guidelines, 2015 [PMID:25741868].